The following is an entry in ClinVar:

NM_020975.6(RET):c.1239C>A (p.Ser413Arg)

Gene: RET (ret proto-oncogene; plus strand). Cytogenetic location: 10q11.21.
Variant type: single nucleotide variant.
Coding change: c.1239C>A on transcript NM_020975.6 (MANE Select); coding-DNA position 1239, C replaced by A.
Protein change: p.Ser413Arg; replaces serine 413 with arginine.
Molecular consequence: missense variant.
Genome position (GRCh38, 1-based): chr10:43,109,206, C>A. VCF-style: chr10-43109206-C-A. GRCh37 (hg19) VCF-style: chr10-43604654-C-A.
Other names: c.1239C>A, p.Ser413Arg (NM_000323.2, NM_001406743.1, NM_001406744.1 and 6 more transcripts); c.477C>A, p.Ser159Arg (NM_001355216.2); c.1110C>A, p.Ser370Arg (NM_001406761.1, NM_001406762.1, NM_001406764.1 and 1 more transcripts); c.951C>A, p.Ser317Arg (NM_001406766.1, NM_001406767.1, NM_001406770.1); c.801C>A, p.Ser267Arg (NM_001406771.1, NM_001406773.1); c.513C>A, p.Ser171Arg (NM_001406775.1, NM_001406776.1, NM_001406777.1 and 1 more transcripts); c.249C>A, p.Ser83Arg (NM_001406784.1); short protein forms S159R, S413R, S171R, S317R, S370R, S83R, S267R.
Identifiers: ClinVar variation 963289 (VCV000963289.10), dbSNP rs1837859530, ClinGen allele CA376547999.

ClinVar aggregate classification (germline): Uncertain significance (1 of 4 stars; one submission).

Conditions:
Multiple endocrine neoplasia, type 2 (MEN2). Identifiers: Orphanet 653, MedGen C4048306, MONDO:0019003. Disease mechanism: gain of function.

Submission:

Labcorp Genetics (formerly Invitae), Labcorp
Classification: Uncertain significance for Multiple endocrine neoplasia, type 2. Last evaluated: 2019-10-01. Review status: criteria provided, single submitter. Criteria: Invitae Variant Classification Sherloc (09022015). Collection method: clinical testing. Allele origin: germline.
Comment: In summary, the available evidence is currently insufficient to determine the role of this variant in disease. Therefore, it has been classified as a Variant of Uncertain Significance. Algorithms developed to predict the effect of missense changes on protein structure and function (SIFT, PolyPhen-2, Align-GVGD) all suggest that this variant is likely to be tolerated, but these predictions have not been confirmed by published functional studies and their clinical significance is uncertain. This variant has not been reported in the literature in individuals with RET-related conditions. This variant is not present in population databases (ExAC no frequency). This sequence change replaces serine with arginine at codon 413 of the RET protein (p.Ser413Arg). The serine residue is weakly conserved and there is a moderate physicochemical difference between serine and arginine.